The following is an entry in ClinVar:

ClinVar aggregate classification (germline): Uncertain significance (1 of 4 stars; one submission).

Submission:

Labcorp Genetics (formerly Invitae), Labcorp
Classification: Uncertain significance. Last evaluated: 2025-08-24. Review status: criteria provided, single submitter. Criteria: Invitae Variant Classification Sherloc (09022015). Collection method: clinical testing. Allele origin: germline.
Comment: This variant, c.2123_2128dup, results in the insertion of 2 amino acid(s) of the EPAS1 protein (p.Leu708_Lys709dup), but otherwise preserves the integrity of the reading frame. This variant is not present in population databases (gnomAD no frequency). This variant has not been reported in the literature in individuals affected with EPAS1-related conditions. In summary, the available evidence is currently insufficient to determine the role of this variant in disease. Therefore, it has been classified as a Variant of Uncertain Significance.

NM_001430.5(EPAS1):c.2117TGAAGC[3] (p.Lys709_Arg710insLeuLys)

Gene: EPAS1 (endothelial PAS domain protein 1; plus strand). Cytogenetic location: 2p21.
Variant type: Microsatellite.
Coding change: c.2117TGAAGC[3] on transcript NM_001430.5 (MANE Select); three copies in a row of the 6-base unit TGAAGC starting at c.2117; the reference has two copies in a row; one copy, 6 bases duplicated.
Protein change: p.Lys709_Arg710insLeuLys.
Molecular consequence: inframe insertion.
Genome position (GRCh38, 1-based): chr2:46,381,673-46,381,678, TGAAGC duplicated; duplicating any 6 consecutive bases within chr2:46,381,663-46,381,678 gives the same sequence; the position shown is the placement nearest the transcript's 3' end. VCF-style (leftmost placement, unchanged base first): chr2-46381662-C-CAAGCTG. GRCh37 (hg19) VCF-style: chr2-46608801-C-CAAGCTG.
Identifiers: ClinVar variation 4693389 (VCV004693389.1).